The following is an entry in ClinVar:

NM_001379081.2(FREM1):c.1882-1757C>T

Gene: FREM1 (FRAS1 related extracellular matrix 1; minus strand). Cytogenetic location: 9p22.3.
Variant type: single nucleotide variant.
Coding change: c.1882-1757C>T on transcript NM_001379081.2 (MANE Select); 1757 bases into the intron before coding-DNA position 1882, C replaced by T.
Molecular consequence: intron variant.
Genome position (GRCh38, 1-based): chr9:14,826,749, G>A on the plus strand (C>T on the coding strand, the complement: FREM1 is on the minus strand). VCF-style: chr9-14826749-G-A. GRCh37 (hg19) VCF-style: chr9-14826747-G-A.
Other names: c.1882-1757C>T (NM_144966.7).
Identifiers: ClinVar variation 4997748 (VCV004997748.1).

ClinVar aggregate classification (germline): Uncertain significance (1 of 4 stars; one submission).

Conditions:
FREM1-related disorder. Also called: FREM1-related condition; FREM1-Related Disorders.

gnomAD v4.1: 1 of 152,136 alleles (0.00066%); highest among the groups gnomAD compares: Admixed American, 0.0065%; no homozygotes.

Submission:

PreventionGenetics, part of Exact Sciences
Classification: Uncertain significance for FREM1-related condition. Last evaluated: 2025-01-21. Review status: criteria provided, single submitter. Criteria: ACMG Guidelines, 2015. Collection method: clinical testing. Allele origin: germline.
Comment: The FREM1 c.1882-1757C>T variant is predicted to interfere with splicing. This variant is predicted to alter splicing based on available splicing prediction software (SpliceAI, Jaganathan et al. 2019. PubMed ID: 30661751). However, the use of computer prediction softwares is not equivalent to functional evidence. To our knowledge, this variant has not been reported in the literature. This variant is reported in ~1/31,000 of alleles in gnomAD. At this time, the clinical significance of this variant is uncertain due to the absence of conclusive functional and genetic evidence.